The following is an entry in ClinVar:

ClinVar aggregate classification (germline): Pathogenic (1 of 4 stars; one submission).

Conditions:
DICER1-related tumor predisposition. Also called: DICER1 syndrome; DICER1-related pleuropulmonary blastoma cancer predisposition syndrome. Identifiers: Orphanet 284343, MedGen C3839822, MONDO:0100216.

Submission:

Labcorp Genetics (formerly Invitae), Labcorp
Classification: Pathogenic for DICER1-related tumor predisposition. Last evaluated: 2023-07-19. Review status: criteria provided, single submitter. Criteria: Invitae Variant Classification Sherloc (09022015). Collection method: clinical testing. Allele origin: germline.
Comment: For these reasons, this variant has been classified as Pathogenic. This variant is not present in population databases (gnomAD no frequency). This variant has not been reported in the literature in individuals affected with DICER1-related conditions. This sequence change creates a premature translational stop signal (p.Lys388Asnfs*70) in the DICER1 gene. It is expected to result in an absent or disrupted protein product. Loss-of-function variants in DICER1 are known to be pathogenic (PMID: 19556464, 21266384).

Literature cited by the submitters: PubMed 19556464; PubMed 21266384.

NM_177438.3(DICER1):c.1164del (p.Lys388fs)

Gene: DICER1 (dicer 1, ribonuclease III; minus strand). Cytogenetic location: 14q32.13.
Variant type: Deletion.
Coding change: c.1164del on transcript NM_177438.3 (MANE Select); coding-DNA position 1164, one base deleted (A; older notation c.1164delA).
Protein change: p.Lys388fs; shifts the reading frame from lysine 388.
Molecular consequence: frameshift variant. On other transcripts: 5 prime UTR variant (1), non-coding transcript variant (6).
Genome position (GRCh38, 1-based): chr14:95,124,408, T deleted on the plus strand (A on the coding strand, the reverse complement: DICER1 is on the minus strand); the first of 3 consecutive T bases (chr14:95,124,408-95,124,410); deleting any one gives the same sequence. VCF-style (leftmost placement, unchanged base first): chr14-95124407-GT-G. GRCh37 (hg19) VCF-style: chr14-95590744-GT-G.
Other names: c.1164del, p.Lys388fs (NM_001195573.1, NM_001271282.3, NM_001291628.2 and 14 more transcripts); c.1162delA, p.Lys388Asnfs (NM_001395681.1); c.882del, p.Lys294fs (NM_001395686.1); c.759del, p.Lys253fs (NM_001395687.1, NM_001395688.1, NM_001395689.1 and 3 more transcripts); c.597del, p.Lys199fs (NM_001395691.1); c.-405del (NM_001395697.1); short protein forms K388fs, K199fs, K294fs, K253fs.
Identifiers: ClinVar variation 2745064 (VCV002745064.3), dbSNP rs2543178404, ClinGen allele CA2580611954.